The following is an entry in ClinVar:

ClinVar aggregate classification (germline): Uncertain significance (1 of 4 stars; one submission).

Conditions:
Dilated cardiomyopathy 1G (CMD1G). Identifiers: Orphanet 154, MedGen C1858763, MONDO:0011400, OMIM 604145.
Autosomal recessive limb-girdle muscular dystrophy type 2J (LGMDR10). Also called: MUSCULAR DYSTROPHY, LIMB-GIRDLE, AUTOSOMAL RECESSIVE 10; Limb-girdle muscular dystrophy, type 2J. Identifiers: Orphanet 140922, MedGen C1837342, MONDO:0012127, OMIM 608807.

Submission:

Labcorp Genetics (formerly Invitae), Labcorp
Classification: Uncertain significance for Dilated cardiomyopathy 1G; Autosomal recessive limb-girdle muscular dystrophy type 2J. Last evaluated: 2023-06-20. Review status: criteria provided, single submitter. Criteria: Invitae Variant Classification Sherloc (09022015). Collection method: clinical testing. Allele origin: germline.
Comment: In summary, the available evidence is currently insufficient to determine the role of this variant in disease. Therefore, it has been classified as a Variant of Uncertain Significance. This variant is located in the M band of TTN (PMID: 25589632). Variants in this region may be relevant for neuromuscular disorders, but have not been definitively shown to cause cardiomyopathy (PMID: 23975875). Experimental studies and prediction algorithms are not available or were not evaluated, and the functional significance of this variant is currently unknown. ClinVar contains an entry for this variant (Variation ID: 863036). This variant has not been reported in the literature in individuals affected with TTN-related conditions. This variant is not present in population databases (gnomAD no frequency). This sequence change replaces isoleucine, which is neutral and non-polar, with threonine, which is neutral and polar, at codon 34298 of the TTN protein (p.Ile34298Thr).

Literature cited by the submitters: PubMed 25589632; PubMed 23975875.

NM_001267550.2(TTN):c.102893T>C (p.Ile34298Thr)

Genes: TTN-AS1 (TTN antisense RNA 1; plus strand), TTN (titin; minus strand). Cytogenetic location: 2q31.2.
Variant type: single nucleotide variant.
Coding change: c.102893T>C on transcript NM_001267550.2 (MANE Select); coding-DNA position 102893, T replaced by C.
Protein change: p.Ile34298Thr; replaces isoleucine 34298 with threonine.
Molecular consequence: missense variant.
Genome position (GRCh38, 1-based): chr2:178,533,722, A>G on the plus strand (T>C on the coding strand, the complement: TTN is on the minus strand). VCF-style: chr2-178533722-A-G. GRCh37 (hg19) VCF-style: chr2-179398449-A-G.
Other names: c.97970T>C, p.Ile32657Thr (NM_001256850.1); c.75698T>C, p.Ile25233Thr (NM_003319.4); c.95189T>C, p.Ile31730Thr (NM_133378.4); c.76073T>C, p.Ile25358Thr (NM_133432.3); c.76274T>C, p.Ile25425Thr (NM_133437.4); short protein forms I25425T, I31730T, I32657T, I25233T, I25358T, I34298T.
Identifiers: ClinVar variation 863036 (VCV000863036.8), dbSNP rs1690192341, ClinGen allele CA349415837.
Genomic context (GRCh38, chr2:178,533,722, plus strand): 5'-AATTGGTAAAGACCCTTGTCTGACTCAAATGTGTACTTCTTGTCATTGTCACCTGGTTTG[A>G]TTTTCTGACCTGATTTATACCATGTTACATGAGGCTCTGGGTGGACAGTTATAGTTACTC-3'
Protein context (NP_001254479.2, residues 34288-34308): HVTWYKSGQK[Ile34298Thr]KPGDNDKKYT